The following is an entry in ClinVar:

NM_000143.4(FH):c.784A>C (p.Ile262Leu)

Gene: FH (fumarate hydratase; minus strand). Cytogenetic location: 1q43.
Variant type: single nucleotide variant.
Coding change: c.784A>C on transcript NM_000143.4 (MANE Select); coding-DNA position 784, A replaced by C.
Protein change: p.Ile262Leu; replaces isoleucine 262 with leucine.
Molecular consequence: missense variant.
Genome position (GRCh38, 1-based): chr1:241,506,123, T>G on the plus strand (A>C on the coding strand, the complement: FH is on the minus strand). VCF-style: chr1-241506123-T-G. GRCh37 (hg19) VCF-style: chr1-241669423-T-G.
Other names: short protein forms I262L.
Identifiers: ClinVar variation 945634 (VCV000945634.11), dbSNP rs199829765, ClinGen allele CA345439028.

ClinVar aggregate classification (germline): Uncertain significance. Review status: criteria provided, multiple submitters, no conflicts (2 of 4 stars). 2 submissions from 2 submitters: Uncertain significance (2). Last evaluated 2025-12-30.

Conditions:
Hereditary cancer-predisposing syndrome. Also called: Tumor predisposition; Hereditary neoplastic syndrome; Hereditary Cancer Syndrome; Neoplastic Syndromes, Hereditary. Identifiers: Orphanet 140162, MedGen C0027672, MeSH D009386, MONDO:0015356.

Submissions (2):

Ambry Genetics
Classification: Uncertain significance for Hereditary cancer-predisposing syndrome. Last evaluated: 2025-12-30. Review status: criteria provided, single submitter. Criteria: Ambry Variant Classification Scheme 2023. Collection method: clinical testing. Allele origin: germline.
Comment: The p.I262L variant (also known as c.784A>C), located in coding exon 6 of the FH gene, results from an A to C substitution at nucleotide position 784. The isoleucine at codon 262 is replaced by leucine, an amino acid with highly similar properties. This amino acid position is well conserved in available vertebrate species. In addition, the in silico prediction for this alteration is inconclusive. Based on the available evidence, the clinical significance of this variant remains unclear.

Labcorp Genetics (formerly Invitae), Labcorp
Classification: Uncertain significance. Last evaluated: 2019-04-05. Review status: criteria provided, single submitter. Criteria: Invitae Variant Classification Sherloc (09022015). Collection method: clinical testing. Allele origin: germline.
Comment: This sequence change replaces isoleucine with leucine at codon 262 of the FH protein (p.Ile262Leu). The isoleucine residue is moderately conserved and there is a small physicochemical difference between isoleucine and leucine. This variant is not present in population databases (ExAC no frequency). This variant has not been reported in the literature in individuals with FH-related conditions. Algorithms developed to predict the effect of missense changes on protein structure and function (SIFT, PolyPhen-2, Align-GVGD) all suggest that this variant is likely to be tolerated, but these predictions have not been confirmed by published functional studies and their clinical significance is uncertain. In summary, the available evidence is currently insufficient to determine the role of this variant in disease. Therefore, it has been classified as a Variant of Uncertain Significance.